The following is an entry in ClinVar:

NM_000138.5(FBN1):c.3713-1_3728delinsC

Gene: FBN1 (fibrillin 1; minus strand). Cytogenetic location: 15q21.1.
Variant type: Indel.
Coding change: c.3713-1_3728delinsC on transcript NM_000138.5 (MANE Select); the canonical splice acceptor site of the intron before coding-DNA position 3713 through coding-DNA position 3728, GACATCGATGAGTGTGA replaced by C.
Molecular consequence: splice acceptor variant.
Genome position (GRCh38, 1-based): chr15:48,483,928-48,483,944, TCACACTCATCGATGTC replaced by G on the plus strand (GACATCGATGAGTGTGA replaced by C on the coding strand, the reverse complement: FBN1 is on the minus strand). VCF-style: chr15-48483928-TCACACTCATCGATGTC-G. GRCh37 (hg19) VCF-style: chr15-48776125-TCACACTCATCGATGTC-G.
Other names: c.3713-1_3728delinsC (NM_001406716.1).
Identifiers: ClinVar variation 2633885 (VCV002633885.1), dbSNP rs2505541183, ClinGen allele CA2695197285.

ClinVar aggregate classification (germline): Likely pathogenic (1 of 4 stars; one submission).

Conditions:
FBN1-related disorder. Also called: FBN1-related disorders.

Submission:

PreventionGenetics, part of Exact Sciences
Classification: Likely pathogenic for FBN1-related condition. Last evaluated: 2023-03-14. Review status: criteria provided, single submitter. Criteria: ACMG Guidelines, 2015. Collection method: clinical testing. Allele origin: germline.
Comment: The FBN1 c.3713-1_3728delinsC variant is predicted to result in an in-frame deletion and insertion. To our knowledge, this variant has not been reported in the literature or in a large population database, indicating this variant is rare. Disruptions of this canonical splice site have been reported to be causative for Marfan syndrome (c.3713-1G>A in Table S1, Takeda et al. 2018. PubMed ID: 29848614). Taken together, the c.3713-1_3728delinsC variant is interpreted as likely pathogenic.